The following is an entry in ClinVar:

ClinVar aggregate classification (germline): Uncertain significance (1 of 4 stars; one submission).

Conditions:
Emery-Dreifuss muscular dystrophy 5, autosomal dominant (EDMD5). Also called: EMERY-DREIFUSS MUSCULAR DYSTROPHY 5. Identifiers: Orphanet 261, MedGen C2751805, MONDO:0013072, OMIM 612999.

Allele frequency attached by ClinVar (database versions not stated): gnomAD exomes below 0.00001; ExAC 0.00001; gnomAD 0.00001; TOPMed 0.00002; ESP Exome Variant Server 0.00008.

Submission:

Labcorp Genetics (formerly Invitae), Labcorp
Classification: Uncertain significance for Emery-Dreifuss muscular dystrophy 5, autosomal dominant. Last evaluated: 2022-10-27. Review status: criteria provided, single submitter. Criteria: Invitae Variant Classification Sherloc (09022015). Collection method: clinical testing. Allele origin: germline.
Comment: This sequence change replaces asparagine, which is neutral and polar, with serine, which is neutral and polar, at codon 147 of the SYNE2 protein (p.Asn147Ser). This variant is present in population databases (rs368858631, gnomAD no frequency). This variant has not been reported in the literature in individuals affected with SYNE2-related conditions. Algorithms developed to predict the effect of missense changes on protein structure and function output the following: SIFT: "Tolerated"; PolyPhen-2: "Benign"; Align-GVGD: "Class C0". The serine amino acid residue is found in multiple mammalian species, which suggests that this missense change does not adversely affect protein function. Algorithms developed to predict the effect of sequence changes on RNA splicing suggest that this variant may disrupt the consensus splice site. In summary, the available evidence is currently insufficient to determine the role of this variant in disease. Therefore, it has been classified as a Variant of Uncertain Significance.

NM_182914.3(SYNE2):c.440A>G (p.Asn147Ser)

Gene: SYNE2 (spectrin repeat containing nuclear envelope protein 2; plus strand). Cytogenetic location: 14q23.2.
Variant type: single nucleotide variant.
Coding change: c.440A>G on transcript NM_182914.3 (MANE Select); coding-DNA position 440, A replaced by G.
Protein change: p.Asn147Ser; replaces asparagine 147 with serine.
Molecular consequence: missense variant.
Genome position (GRCh38, 1-based): chr14:63,949,856, A>G. VCF-style: chr14-63949856-A-G. GRCh37 (hg19) VCF-style: chr14-64416574-A-G.
Other names: c.440A>G, p.Asn147Ser (NM_015180.6); short protein forms N147S.
Identifiers: ClinVar variation 2748582 (VCV002748582.3), dbSNP rs368858631, ClinGen allele CA7219115.